The following is an entry in ClinVar:

NM_198576.4(AGRN):c.1016G>A (p.Arg339His)

Gene: AGRN (agrin; plus strand). Cytogenetic location: 1p36.33.
Variant type: single nucleotide variant.
Coding change: c.1016G>A on transcript NM_198576.4 (MANE Select); coding-DNA position 1016, G replaced by A.
Protein change: p.Arg339His; replaces arginine 339 with histidine.
Molecular consequence: missense variant.
Genome position (GRCh38, 1-based): chr1:1,041,541, G>A. VCF-style: chr1-1041541-G-A. GRCh37 (hg19) VCF-style: chr1-976921-G-A.
Other names: c.1016G>A, p.Arg339His (NM_001305275.2); c.701G>A, p.Arg234His (NM_001364727.2); short protein forms R339H, R234H.
Identifiers: ClinVar variation 2151074 (VCV002151074.4), dbSNP rs1438592464, ClinGen allele CA337826317.
Genomic context (GRCh38, chr1:1,041,541, plus strand): 5'-CCTGTCAGGGCGCCCTCCCTGACCCGAGCCGCAGCTGCCGTGTGAACCCGCGCACGCGGC[G>A]CCCTGAGATGCTCCTACGGCCCGAGAGCTGCCCTGCCCGGCAGGCGCCAGTGTGTGGGGA-3'
Protein context (NP_940978.2, residues 329-349): RSCRVNPRTR[Arg339His]PEMLLRPESC

ClinVar aggregate classification (germline): Uncertain significance (1 of 4 stars; one submission).

Conditions:
Congenital myasthenic syndrome 8. Also called: MYASTHENIC SYNDROME, CONGENITAL, DUE TO AGRIN DEFICIENCY; Myasthenic syndrome, congenital, 8, with pre- and postsynaptic defects. Identifiers: Orphanet 590, MedGen C3808739, MONDO:0014052, OMIM 615120.

gnomAD v4.1: 3 of 1,606,424 alleles (0.00019%); highest among the groups gnomAD compares: Non-Finnish European, 0.00025%; no homozygotes.

Submission:

Labcorp Genetics (formerly Invitae), Labcorp
Classification: Uncertain significance for Congenital myasthenic syndrome 8. Last evaluated: 2023-01-05. Review status: criteria provided, single submitter. Criteria: Invitae Variant Classification Sherloc (09022015). Collection method: clinical testing. Allele origin: germline.
Comment: In summary, the available evidence is currently insufficient to determine the role of this variant in disease. Therefore, it has been classified as a Variant of Uncertain Significance. Algorithms developed to predict the effect of missense changes on protein structure and function output the following: SIFT: "Tolerated"; PolyPhen-2: "Possibly Damaging"; Align-GVGD: "Class C0". The histidine amino acid residue is found in multiple mammalian species, which suggests that this missense change does not adversely affect protein function. This variant has not been reported in the literature in individuals affected with AGRN-related conditions. The frequency data for this variant in the population databases is considered unreliable, as metrics indicate poor data quality at this position in the gnomAD database. This sequence change replaces arginine, which is basic and polar, with histidine, which is basic and polar, at codon 339 of the AGRN protein (p.Arg339His).